The following is an entry in ClinVar:

NM_181872.6(DMRT2):c.178G>A (p.Glu60Lys)

Gene: DMRT2 (doublesex and mab-3 related transcription factor 2; plus strand). Cytogenetic location: 9p24.3.
Variant type: single nucleotide variant.
Coding change: c.178G>A on transcript NM_181872.6 (MANE Select); coding-DNA position 178, G replaced by A.
Protein change: p.Glu60Lys; replaces glutamic acid 60 with lysine.
Molecular consequence: missense variant. On other transcripts: 5 prime UTR variant (1), non-coding transcript variant (1).
Genome position (GRCh38, 1-based): chr9:1,051,791, G>A. VCF-style: chr9-1051791-G-A. GRCh37 (hg19) VCF-style: chr9-1051791-G-A.
Other names: c.178G>A, p.Glu60Lys (NM_001130865.3, NM_001370531.1, NM_001370533.1 and 4 more transcripts); c.-473G>A (NM_001370532.1); short protein forms E60K.
Identifiers: ClinVar variation 4706826 (VCV004706826.1).

ClinVar aggregate classification (germline): Uncertain significance (1 of 4 stars; one submission).

gnomAD v4.1: 1 of 1,509,152 alleles (0.000066%); highest among the groups gnomAD compares: Admixed American, 0.0021%; no homozygotes.

Submission:

Labcorp Genetics (formerly Invitae), Labcorp
Classification: Uncertain significance. Last evaluated: 2025-05-18. Review status: criteria provided, single submitter. Criteria: Invitae Variant Classification Sherloc (09022015). Collection method: clinical testing. Allele origin: germline.
Comment: This sequence change replaces glutamic acid, which is acidic and polar, with lysine, which is basic and polar, at codon 60 of the DMRT2 protein (p.Glu60Lys). This variant is present in population databases (no rsID available, gnomAD 0.005%). This variant has not been reported in the literature in individuals affected with DMRT2-related conditions. An algorithm developed to predict the effect of missense changes on protein structure and function (PolyPhen-2) suggests that this variant is likely to be tolerated. In summary, the available evidence is currently insufficient to determine the role of this variant in disease. Therefore, it has been classified as a Variant of Uncertain Significance.